The following is an entry in ClinVar:

NM_198053.3(CD247):c.263A>G (p.Lys88Arg)

Gene: CD247 (CD247 molecule; minus strand). Cytogenetic location: 1q24.2.
Variant type: single nucleotide variant.
Coding change: c.263A>G on transcript NM_198053.3 (MANE Select); coding-DNA position 263, A replaced by G.
Protein change: p.Lys88Arg; replaces lysine 88 with arginine.
Molecular consequence: missense variant.
Genome position (GRCh38, 1-based): chr1:167,438,607, T>C on the plus strand (A>G on the coding strand, the complement: CD247 is on the minus strand). VCF-style: chr1-167438607-T-C. GRCh37 (hg19) VCF-style: chr1-167407844-T-C.
Other names: c.263A>G, p.Lys88Arg (NM_000734.4); c.356A>G, p.Lys119Arg (NM_001378515.1, NM_001378516.1); short protein forms K88R, K119R.
Identifiers: ClinVar variation 643887 (VCV000643887.3), dbSNP rs143180729, ClinGen allele CA31992029.
Genomic context (GRCh38, chr1:167,438,607, plus strand): 5'-CAGGAAGGTAGAGGAACCCCTACCGGCTTTCCCCCCATCTCAGGGTCCCGGCCACGTCTC[T>C]TGTCCAAAACATCGTACTCCTCTCTTCGTCCTAGATTGAGCTCCTATAACAGATAAGAAA-3'
Protein context (NP_932170.1, residues 78-98): GRREEYDVLD[Lys88Arg]RRGRDPEMGG

ClinVar aggregate classification (germline): Uncertain significance (1 of 4 stars; one submission).

Conditions:
Immunodeficiency 25. Also called: Immunodeficiency due to defect in cd3-zeta, somatic. Identifiers: MedGen C1857798, MONDO:0012426, OMIM 610163.

Allele frequency attached by ClinVar (database versions not stated): gnomAD 0.00001; TOPMed 0.00001; gnomAD exomes 0.00003; ESP Exome Variant Server 0.00008.
gnomAD v4.1: 39 of 1,614,022 alleles (0.0024%); highest among the groups gnomAD compares: Non-Finnish European, 0.0033%; no homozygotes.

Submission:

Labcorp Genetics (formerly Invitae), Labcorp
Classification: Uncertain significance for Immunodeficiency 25. Last evaluated: 2022-06-25. Review status: criteria provided, single submitter. Criteria: Invitae Variant Classification Sherloc (09022015). Collection method: clinical testing. Allele origin: germline.
Comment: This sequence change replaces lysine, which is basic and polar, with arginine, which is basic and polar, at codon 88 of the CD247 protein (p.Lys88Arg). This variant is not present in population databases (gnomAD no frequency). This variant has not been reported in the literature in individuals affected with CD247-related conditions. ClinVar contains an entry for this variant (Variation ID: 643887). Algorithms developed to predict the effect of missense changes on protein structure and function output the following: SIFT: "Tolerated"; PolyPhen-2: "Benign"; Align-GVGD: "Class C0". The arginine amino acid residue is found in multiple mammalian species, which suggests that this missense change does not adversely affect protein function. Algorithms developed to predict the effect of sequence changes on RNA splicing suggest that this variant may create or strengthen a splice site. In summary, the available evidence is currently insufficient to determine the role of this variant in disease. Therefore, it has been classified as a Variant of Uncertain Significance.